The following is an entry in ClinVar:

ClinVar aggregate classification (germline): Pathogenic. Review status: reviewed by expert panel (3 of 4 stars). 3 submissions from 3 submitters: Pathogenic (1). 2 of the submissions do not count toward it. Last evaluated 2016-10-18.

Conditions:
Breast-ovarian cancer, familial, susceptibility to, 1 (BROVCA1). Also called: BRCA1 Hereditary Breast and Ovarian Cancer; OVARIAN CANCER, SUSCEPTIBILITY TO. Identifiers: Orphanet 145, MedGen C2676676, MONDO:0011450, OMIM 604370. Disease mechanism: loss of function.
Familial cancer of breast. Also called: hereditary breast carcinoma; BREAST CANCER, FAMILIAL; Hereditary breast cancer. Identifiers: Orphanet 227535, MedGen C0346153, MONDO:0016419, OMIM 114480. Disease mechanism: loss of function.

Submissions (3):

Evidence-based Network for the Interpretation of Germline Mutant Alleles (ENIGMA)
Classification: Pathogenic for Breast-ovarian cancer, familial, susceptibility to, 1. Last evaluated: 2016-10-18. Review status: reviewed by expert panel. Criteria: ENIGMA BRCA1/2 Classification Criteria (2015). Collection method: curation. Allele origin: germline.
Comment: Variant allele predicted to encode a truncated non-functional protein.

MGZ Medical Genetics Center
Classification: Pathogenic for Familial cancer of breast. Last evaluated: 2022-01-25. Review status: criteria provided, single submitter. Criteria: ACMG Guidelines, 2015. Collection method: clinical testing. Allele origin: germline. Affected: yes. Observed: 1 variant allele. Not counted in ClinVar's aggregate classification.
Comment: ACMG criteria applied: PVS1, PS4_MOD, PM2_SUP

Consortium of Investigators of Modifiers of BRCA1/2 (CIMBA), c/o University of Cambridge
Classification: Pathogenic for Breast-ovarian cancer, familial, susceptibility to, 1. Last evaluated: 2015-10-02. Review status: criteria provided, single submitter. Criteria: CIMBA Mutation Classification guidelines May 2016. Collection method: clinical testing. Allele origin: germline. Not counted in ClinVar's aggregate classification.

NM_007294.4(BRCA1):c.678T>A (p.Cys226Ter)

Gene: BRCA1 (BRCA1 DNA repair associated; minus strand). Cytogenetic location: 17q21.31.
Variant type: single nucleotide variant.
Coding change: c.678T>A on transcript NM_007294.4 (MANE Select); coding-DNA position 678, T replaced by A.
Protein change: p.Cys226Ter; replaces cysteine 226 with a stop codon.
Molecular consequence: nonsense. On other transcripts: non-coding transcript variant (1).
Genome position (GRCh38, 1-based): chr17:43,094,853, A>T on the plus strand (T>A on the coding strand, the complement: BRCA1 is on the minus strand). VCF-style: chr17-43094853-A-T. GRCh37 (hg19) VCF-style: chr17-41246870-A-T.
Other names: 797 T>A; c.465T>A, p.Cys155Ter (NM_001407916.1, NM_001407917.1, NM_001407918.1 and 12 more transcripts); c.555T>A, p.Cys185Ter (NM_001407919.1, NM_001407937.1, NM_001407938.1 and 34 more transcripts); c.414T>A, p.Cys138Ter (NM_001407920.1, NM_001407921.1, NM_001407922.1 and 15 more transcripts); c.411T>A, p.Cys137Ter (NM_001407930.1, NM_001407931.1, NM_001407932.1 and 5 more transcripts); c.552T>A, p.Cys184Ter (NM_001407940.1, NM_001407941.1, NM_001408432.1 and 20 more transcripts); c.537T>A, p.Cys179Ter (NM_001407942.1, NM_001407944.1, NM_001407945.1 and 43 more transcripts); c.534T>A, p.Cys178Ter (NM_001407943.1, NM_001407964.1, NM_001408462.1 and 26 more transcripts); and 15 more; short protein forms C226*, C179*, C114*, C138*, C156*, C159*, C223*, C98*.
Identifiers: ClinVar variation 55665 (VCV000055665.9), dbSNP rs397509308, ClinGen allele CA003811.